The following is an entry in ClinVar:

NM_001080517.3(SETD5):c.1121A>G (p.Tyr374Cys)

Gene: SETD5 (SET domain containing 5; plus strand). Cytogenetic location: 3p25.3.
Variant type: single nucleotide variant.
Coding change: c.1121A>G on transcript NM_001080517.3 (MANE Select); coding-DNA position 1121, A replaced by G.
Protein change: p.Tyr374Cys; replaces tyrosine 374 with cysteine.
Molecular consequence: missense variant.
Genome position (GRCh38, 1-based): chr3:9,443,351, A>G. VCF-style: chr3-9443351-A-G. GRCh37 (hg19) VCF-style: chr3-9485035-A-G.
Other names: c.827A>G, p.Tyr276Cys (NM_001292043.2, NM_001349451.2); short protein forms Y276C, Y374C.
Identifiers: ClinVar variation 3668270 (VCV003668270.2).

ClinVar aggregate classification (germline): Uncertain significance (1 of 4 stars; one submission).

gnomAD v4.1: 1 of 1,531,972 alleles (0.000065%); highest among the groups gnomAD compares: Non-Finnish European, 0.000088%; no homozygotes.

Submission:

Labcorp Genetics (formerly Invitae), Labcorp
Classification: Uncertain significance. Last evaluated: 2024-10-27. Review status: criteria provided, single submitter. Criteria: Invitae Variant Classification Sherloc (09022015). Collection method: clinical testing. Allele origin: germline.
Comment: This sequence change replaces tyrosine, which is neutral and polar, with cysteine, which is neutral and slightly polar, at codon 374 of the SETD5 protein (p.Tyr374Cys). This variant is not present in population databases (gnomAD no frequency). This variant has not been reported in the literature in individuals affected with SETD5-related conditions. Invitae Evidence Modeling of protein sequence and biophysical properties (such as structural, functional, and spatial information, amino acid conservation, physicochemical variation, residue mobility, and thermodynamic stability) has been performed for this missense variant. However, the output from this modeling did not meet the statistical confidence thresholds required to predict the impact of this variant on SETD5 protein function. In summary, the available evidence is currently insufficient to determine the role of this variant in disease. Therefore, it has been classified as a Variant of Uncertain Significance.